The following is an entry in ClinVar:

NM_006767.4(LZTR1):c.1037del (p.Glu346fs)

Gene: LZTR1 (leucine zipper like post translational regulator 1; plus strand). Cytogenetic location: 22q11.21.
Variant type: Deletion.
Coding change: c.1037del on transcript NM_006767.4 (MANE Select); coding-DNA position 1037, one base deleted (A; older notation c.1037delA).
Protein change: p.Glu346fs; shifts the reading frame from glutamic acid 346.
Molecular consequence: frameshift variant.
Genome position (GRCh38, 1-based): chr22:20,992,257, A deleted. VCF-style (leftmost placement, unchanged base first): chr22-20992256-GA-G. GRCh37 (hg19) VCF-style: chr22-21346545-GA-G.
Other names: c.1037delA (NM_006767.3); short protein forms E346fs.
Identifiers: ClinVar variation 2884744 (VCV002884744.5), dbSNP rs1284057500, ClinGen allele CA638556481.

ClinVar aggregate classification (germline): Pathogenic. Review status: criteria provided, multiple submitters, no conflicts (2 of 4 stars). 3 submissions from 3 submitters: Pathogenic (3). Last evaluated 2026-08-01.

Conditions:
Cardiovascular phenotype. Identifiers: MedGen CN230736.
Hereditary cancer-predisposing syndrome. Also called: Hereditary neoplastic syndrome; Tumor predisposition; Hereditary Cancer Syndrome; Neoplastic Syndromes, Hereditary. Identifiers: Orphanet 140162, MedGen C0027672, MeSH D009386, MONDO:0015356.

Allele frequency attached by ClinVar (database versions not stated): gnomAD exomes below 0.00001; gnomAD 0.00001.

Submissions (3):

CeGaT Center for Human Genetics Tuebingen
Classification: Pathogenic. Last evaluated: 2026-08-01. Review status: criteria provided, single submitter. Criteria: CeGaT Center For Human Genetics Tuebingen Variant Classification Criteria Version 2. Collection method: clinical testing. Allele origin: germline. Affected: yes. Observed: 1 variant allele.
Comment: LZTR1: PVS1, PM2

Ambry Genetics
Classification: Pathogenic for Cardiovascular phenotype; Hereditary cancer-predisposing syndrome. Last evaluated: 2023-10-04. Review status: criteria provided, single submitter. Criteria: Ambry Variant Classification Scheme 2023. Collection method: clinical testing. Allele origin: germline.
Comment: The c.1037delA variant, located in coding exon 10 of the LZTR1 gene, results from a deletion of one nucleotide at nucleotide position 1037, causing a translational frameshift with a predicted alternate stop codon (p.E346Gfs*5). Loss-of-function variants in LZTR1 are related to an increased risk for schwannomas and autosomal recessive Noonan syndrome; however, such associations with autosomal dominant Noonan syndrome have not been observed (Piotrowski A et al. Nat Genet. 2014 Feb;46:182-7; Yamamoto GL et al. J Med Genet. 2015 Jun;52:413-21; Johnston JJ et al. Genet Med. 2018 10;20:1175-1185). This alteration is expected to result in loss of function by premature protein truncation or nonsense-mediated mRNA decay. Based on the supporting evidence, this variant is pathogenic for an increased risk of LZTR1-related schwannomatosis (SWN) and would be expected to cause autosomal recessive Noonan syndrome when present along with a second pathogenic or likely pathogenic variant on the other allele; however, the association of this alteration with autosomal dominant Noonan syndrome is unlikely.

Labcorp Genetics (formerly Invitae), Labcorp
Classification: Pathogenic. Last evaluated: 2022-11-03. Review status: criteria provided, single submitter. Criteria: Invitae Variant Classification Sherloc (09022015). Collection method: clinical testing. Allele origin: germline.
Comment: For these reasons, this variant has been classified as Pathogenic. This variant has not been reported in the literature in individuals affected with LZTR1-related conditions. This variant is present in population databases (no rsID available, gnomAD 0.006%). This sequence change creates a premature translational stop signal (p.Glu346Glyfs*5) in the LZTR1 gene. It is expected to result in an absent or disrupted protein product. Loss-of-function variants in LZTR1 are known to be pathogenic (PMID: 24362817, 25335493, 25480913, 25795793, 29469822, 30368668, 30442762, 30442766, 30481304, 30859559).

Literature cited by the submitters: PubMed 24362817 (cited by Labcorp Genetics (formerly Invitae), Labcorp); PubMed 25335493 (cited by Labcorp Genetics (formerly Invitae), Labcorp); PubMed 25480913 (cited by Labcorp Genetics (formerly Invitae), Labcorp); PubMed 25795793 (cited by Labcorp Genetics (formerly Invitae), Labcorp); PubMed 29469822 (cited by Labcorp Genetics (formerly Invitae), Labcorp); PubMed 30368668 (cited by Labcorp Genetics (formerly Invitae), Labcorp); PubMed 30442762 (cited by Labcorp Genetics (formerly Invitae), Labcorp); PubMed 30442766 (cited by Labcorp Genetics (formerly Invitae), Labcorp); PubMed 30481304 (cited by Labcorp Genetics (formerly Invitae), Labcorp); PubMed 30859559 (cited by Labcorp Genetics (formerly Invitae), Labcorp).